The following is an entry in ClinVar:

NM_001306084.2(CFAP54):c.7779G>A (p.Lys2593=)

Gene: CFAP54 (cilia and flagella associated protein 54; plus strand). Cytogenetic location: 12q23.1.
Variant type: single nucleotide variant.
Coding change: c.7779G>A on transcript NM_001306084.2 (MANE Select); coding-DNA position 7779, G replaced by A.
Protein change: p.Lys2593=; no amino-acid change (lysine 2593 retained).
Molecular consequence: synonymous variant.
Genome position (GRCh38, 1-based): chr12:96,753,837, G>A. VCF-style: chr12-96753837-G-A. GRCh37 (hg19) VCF-style: chr12-97147615-G-A.
Other names: c.7974G>A, p.Lys2658= (NM_001367885.1).
Identifiers: ClinVar variation 5038584 (VCV005038584.1).

ClinVar aggregate classification (germline): Likely benign (1 of 4 stars; one submission).

gnomAD v4.1: 1,366 of 1,614,028 alleles (0.085%); highest among the groups gnomAD compares: Middle Eastern, 0.53%; 12 homozygotes.

Submission:

CeGaT Center for Human Genetics Tuebingen
Classification: Likely benign. Last evaluated: 2026-08-01. Review status: criteria provided, single submitter. Criteria: CeGaT Center For Human Genetics Tuebingen Variant Classification Criteria Version 2. Collection method: clinical testing. Allele origin: germline. Affected: yes. Observed: 1 variant allele.
Comment: CFAP54: BP4, BP7